The following is an entry in ClinVar:

NM_003055.3(SLC18A3):c.1164C>T (p.Cys388=)

Genes: CHAT (choline O-acetyltransferase; plus strand), SLC18A3 (solute carrier family 18 member A3; plus strand). Cytogenetic location: 10q11.23.
Variant type: single nucleotide variant.
Coding change: c.1164C>T on transcript NM_003055.3 (MANE Select); coding-DNA position 1164, C replaced by T.
Protein change: p.Cys388=; no amino-acid change (cysteine 388 retained).
Molecular consequence: synonymous variant. On other transcripts: intron variant (1).
Genome position (GRCh38, 1-based): chr10:49,611,904, C>T. VCF-style: chr10-49611904-C-T. GRCh37 (hg19) VCF-style: chr10-50819950-C-T.
Other names: c.-69+2705C>T (NM_020984.4).
Identifiers: ClinVar variation 2186441 (VCV002186441.5), dbSNP rs778397784, ClinGen allele CA5496914.

ClinVar aggregate classification (germline): Likely benign. Review status: criteria provided, single submitter (1 of 4 stars). 2 submissions from 2 submitters: Likely benign (1). 1 of the submissions does not count toward it. Last evaluated 2025-12-15.

Conditions:
SLC18A3-related disorder. Also called: SLC18A3-related condition.

Allele frequency attached by ClinVar (database versions not stated): ExAC 0.00010; TOPMed 0.00011; gnomAD 0.00009.
gnomAD v4.1: 176 of 1,611,494 alleles (0.011%); highest among the groups gnomAD compares: Non-Finnish European, 0.014%; no homozygotes.

Submissions (2):

Labcorp Genetics (formerly Invitae), Labcorp
Classification: Likely benign. Last evaluated: 2025-12-15. Review status: criteria provided, single submitter. Criteria: Invitae Variant Classification Sherloc (09022015). Collection method: clinical testing. Allele origin: germline.

PreventionGenetics, part of Exact Sciences
Classification: Likely benign for SLC18A3-related condition. Last evaluated: 2019-12-03. Review status: no assertion criteria provided. Collection method: clinical testing. Allele origin: germline. Not counted in ClinVar's aggregate classification.
Comment: This variant is classified as likely benign based on ACMG/AMP sequence variant interpretation guidelines (Richards et al. 2015 PMID: 25741868, with internal and published modifications).